The following is an entry in ClinVar:

ClinVar aggregate classification (germline): Conflicting classifications of pathogenicity. Review status: criteria provided, conflicting classifications (1 of 4 stars). 2 submissions from 2 submitters: Pathogenic (1); Uncertain significance (1). Last evaluated 2025-01-15.

Conditions:
Glycogen storage disease due to muscle and heart glycogen synthase deficiency. Also called: GSD 0b; MUSCLE GLYCOGEN SYNTHASE DEFICIENCY. Identifiers: Orphanet 137625, MedGen C1969054, MONDO:0012693, OMIM 611556.

Allele frequency attached by ClinVar (database versions not stated): gnomAD exomes 0.00001.
gnomAD v4.1: 20 of 1,612,898 alleles (0.0012%); highest among the groups gnomAD compares: Non-Finnish European, 0.0017%; no homozygotes.

Submissions (2):

Labcorp Genetics (formerly Invitae), Labcorp
Classification: Pathogenic for Glycogen storage disease due to muscle and heart glycogen synthase deficiency. Last evaluated: 2025-01-15. Review status: criteria provided, single submitter. Criteria: Invitae Variant Classification Sherloc (09022015). Collection method: clinical testing. Allele origin: germline.
Comment: This sequence change affects a donor splice site in intron 4 of the GYS1 gene. It is expected to disrupt RNA splicing. Variants that disrupt the donor or acceptor splice site typically lead to a loss of protein function (PMID: 16199547), and loss-of-function variants in GYS1 are known to be pathogenic (PMID: 17928598, 19699667). This variant is not present in population databases (gnomAD no frequency). Disruption of this splice site has been observed in individual(s) with muscle glycogen synthase deficiency (PMID: 35641353). ClinVar contains an entry for this variant (Variation ID: 1466408). Studies have shown that disruption of this splice site alters GYS1 gene expression (PMID: 35641353). Algorithms developed to predict the effect of sequence changes on RNA splicing suggest that this variant may disrupt the consensus splice site. For these reasons, this variant has been classified as Pathogenic.

Blueprint Genetics
Classification: Uncertain significance. Last evaluated: 2024-07-10. Review status: criteria provided, single submitter. Criteria: ACMG Guidelines, 2015. Collection method: clinical testing. Allele origin: germline.

Literature cited by the submitters: PubMed 16199547 (cited by Labcorp Genetics (formerly Invitae), Labcorp); PubMed 17928598 (cited by Labcorp Genetics (formerly Invitae), Labcorp); PubMed 19699667 (cited by Labcorp Genetics (formerly Invitae), Labcorp); PubMed 35641353 (cited by Labcorp Genetics (formerly Invitae), Labcorp).

NM_002103.5(GYS1):c.678+2T>G

Gene: GYS1 (glycogen synthase 1; minus strand). Cytogenetic location: 19q13.33.
Variant type: single nucleotide variant.
Coding change: c.678+2T>G on transcript NM_002103.5 (MANE Select); the canonical splice donor site of the intron after coding-DNA position 678, T replaced by G.
Molecular consequence: splice donor variant.
Genome position (GRCh38, 1-based): chr19:48,985,848, A>C on the plus strand (T>G on the coding strand, the complement: GYS1 is on the minus strand). VCF-style: chr19-48985848-A-C. GRCh37 (hg19) VCF-style: chr19-49489105-A-C.
Other names: c.486+2T>G (NM_001161587.2).
Identifiers: ClinVar variation 1466408 (VCV001466408.9), dbSNP rs2122520177, ClinGen allele CA406764912.
Genomic context (GRCh38, chr19:48,985,848, plus strand): 5'-CCCAGAGCTTTGGGTTTTCCTGGCATACTCGCAGTCCCCCATCTGCCACGGTCCCAGCTC[A>C]CGTTCTCCAGGTTGTTGTAGAAGTCCACGGCACCGGCACACAGGTAGCGCCCCAGCAGCG-3'